The following is an entry in ClinVar:

ClinVar aggregate classification (germline): Uncertain significance (1 of 4 stars; one submission).

Submission:

Women's Health and Genetics/Laboratory Corporation of America, LabCorp
Classification: Uncertain significance. Last evaluated: 2024-02-15. Review status: criteria provided, single submitter. Criteria: LabCorp Variant Classification Summary - May 2015. Collection method: clinical testing. Allele origin: germline.
Comment: Variant summary: ARFGEF1 c.312+4T>G alters a conserved nucleotide located close to a canonical splice site and therefore could affect mRNA splicing, leading to a significantly altered protein sequence. Consensus agreement among computation tools predict no significant impact on normal splicing. However, these predictions have yet to be confirmed by functional studies. The variant was absent in 234994 control chromosomes. The available data on variant occurrences in the general population are insufficient to allow any conclusion about variant significance. To our knowledge, no occurrence of c.312+4T>G in individuals affected with Developmental Delay, Impaired Speech, And Behavioral Abnormalities, With Or Without Seizures and no experimental evidence demonstrating its impact on protein function have been reported. No submitters have cited clinical-significance assessments for this variant to ClinVar. Based on the evidence outlined above, the variant was classified as uncertain significance.

NM_006421.5(ARFGEF1):c.312+4T>G

Gene: ARFGEF1 (ARF guanine nucleotide exchange factor 1; minus strand). Cytogenetic location: 8q13.2.
Variant type: single nucleotide variant.
Coding change: c.312+4T>G on transcript NM_006421.5 (MANE Select); 4 bases into the intron after coding-DNA position 312, T replaced by G.
Molecular consequence: intron variant.
Genome position (GRCh38, 1-based): chr8:67,301,220, A>C on the plus strand (T>G on the coding strand, the complement: ARFGEF1 is on the minus strand). VCF-style: chr8-67301220-A-C. GRCh37 (hg19) VCF-style: chr8-68213455-A-C.
Other names: c.312+4T>G (NM_001413186.1, NM_001413187.1, NM_001413185.1 and 7 more transcripts); c.-289+4T>G (NM_001413188.1, NM_001413197.1, NM_001413193.1); c.-804+4T>G (NM_001413196.1).
Identifiers: ClinVar variation 3069057 (VCV003069057.2), dbSNP rs1031326576, ClinGen allele CA2825001596.